The following is an entry in ClinVar:

ClinVar aggregate classification (germline): Uncertain significance (1 of 4 stars; one submission).

Allele frequency attached by ClinVar (database versions not stated): gnomAD exomes below 0.00001.
gnomAD v4.1: 1 of 1,609,032 alleles (0.000062%); highest among the groups gnomAD compares: Non-Finnish European, 0.000085%; no homozygotes.

Submission:

Labcorp Genetics (formerly Invitae), Labcorp
Classification: Uncertain significance. Last evaluated: 2023-11-18. Review status: criteria provided, single submitter. Criteria: Invitae Variant Classification Sherloc (09022015). Collection method: clinical testing. Allele origin: germline.
Comment: This sequence change falls in intron 3 of the RORB gene. It does not directly change the encoded amino acid sequence of the RORB protein. It affects a nucleotide within the consensus splice site. This variant is not present in population databases (gnomAD no frequency). This variant has not been reported in the literature in individuals affected with RORB-related conditions. Variants that disrupt the consensus splice site are a relatively common cause of aberrant splicing (PMID: 17576681, 9536098). Algorithms developed to predict the effect of sequence changes on RNA splicing suggest that this variant may disrupt the consensus splice site. In summary, the available evidence is currently insufficient to determine the role of this variant in disease. Therefore, it has been classified as a Variant of Uncertain Significance.

Literature cited by the submitters: PubMed 17576681; PubMed 9536098.

NM_006914.4(RORB):c.235+5G>C

Gene: RORB (RAR related orphan receptor B; plus strand). Cytogenetic location: 9q21.13.
Variant type: single nucleotide variant.
Coding change: c.235+5G>C on transcript NM_006914.4 (MANE Select); 5 bases into the intron after coding-DNA position 235, G replaced by C.
Molecular consequence: intron variant.
Genome position (GRCh38, 1-based): chr9:74,634,777, G>C. VCF-style: chr9-74634777-G-C. GRCh37 (hg19) VCF-style: chr9-77249693-G-C.
Other names: c.268+5G>C (NM_001365023.1).
Identifiers: ClinVar variation 2697132 (VCV002697132.3), dbSNP rs2489567049, ClinGen allele CA2579355206.
Genomic context (GRCh38, chr9:74,634,777, plus strand): 5'-CCGTTGCCAACACTGCCGACTGCAGAAGTGTCTTGCCCTAGGAATGTCAAGAGATGGTAA[G>C]ACATTACCTTCCTGTTTCTTACTTAAGCCCTTTCAAATGGATGCTTTGCTGGAGTCTATT-3'